The following is an entry in ClinVar:

ClinVar aggregate classification (germline): Uncertain significance (1 of 4 stars; one submission).

Submission:

Labcorp Genetics (formerly Invitae), Labcorp
Classification: Uncertain significance. Last evaluated: 2026-01-21. Review status: criteria provided, single submitter. Criteria: Invitae Variant Classification Sherloc (09022015). Collection method: clinical testing. Allele origin: germline.
Comment: This sequence change replaces alanine, which is neutral and non-polar, with proline, which is neutral and non-polar, at codon 850 of the MAST1 protein (p.Ala850Pro). This variant is present in population databases (rs750223028, gnomAD 0.007%). This variant has not been reported in the literature in individuals affected with MAST1-related conditions. An algorithm developed to predict the effect of missense changes on protein structure and function outputs the following: PolyPhen-2: "Benign". The proline amino acid residue is found in multiple mammalian species, which suggests that this missense change does not adversely affect protein function. In summary, the available evidence is currently insufficient to determine the role of this variant in disease. Therefore, it has been classified as a Variant of Uncertain Significance.

NM_014975.3(MAST1):c.2548G>C (p.Ala850Pro)

Gene: MAST1 (microtubule associated serine/threonine kinase 1; plus strand). Cytogenetic location: 19p13.13.
Variant type: single nucleotide variant.
Coding change: c.2548G>C on transcript NM_014975.3 (MANE Select); coding-DNA position 2548, G replaced by C.
Protein change: p.Ala850Pro; replaces alanine 850 with proline.
Molecular consequence: missense variant.
Genome position (GRCh38, 1-based): chr19:12,867,959, G>C. VCF-style: chr19-12867959-G-C. GRCh37 (hg19) VCF-style: chr19-12978773-G-C.
Other names: short protein forms A850P.
Identifiers: ClinVar variation 4735445 (VCV004735445.1).